The following is an entry in ClinVar:

NM_002860.4(ALDH18A1):c.2195G>A (p.Arg732His)

Gene: ALDH18A1 (aldehyde dehydrogenase 18 family member A1; minus strand). Cytogenetic location: 10q24.1.
Variant type: single nucleotide variant.
Coding change: c.2195G>A on transcript NM_002860.4 (MANE Select); coding-DNA position 2195, G replaced by A.
Protein change: p.Arg732His; replaces arginine 732 with histidine.
Molecular consequence: missense variant.
Genome position (GRCh38, 1-based): chr10:95,610,208, C>T on the plus strand (G>A on the coding strand, the complement: ALDH18A1 is on the minus strand). VCF-style: chr10-95610208-C-T. GRCh37 (hg19) VCF-style: chr10-97369965-C-T.
Other names: c.2189G>A, p.Arg730His (NM_001017423.2, NM_001323415.2); c.1862G>A, p.Arg621His (NM_001323412.2, NM_001323416.2); c.2195G>A, p.Arg732His (NM_001323413.2, NM_001323414.2); c.2090G>A, p.Arg697His (NM_001323417.2); c.1856G>A, p.Arg619His (NM_001323418.2); c.1559G>A, p.Arg520His (NM_001323419.2); short protein forms R732H, R520H, R730H, R621H, R697H, R619H.
Identifiers: ClinVar variation 382497 (VCV000382497.12), dbSNP rs774916138, ClinGen allele CA5620118.

ClinVar aggregate classification (germline): Uncertain significance. Review status: criteria provided, multiple submitters, no conflicts (2 of 4 stars). 2 submissions from 2 submitters: Uncertain significance (2). Last evaluated 2022-05-25.

Conditions:
Cutis laxa, autosomal dominant 3 (ADCL3). Identifiers: Orphanet 90348, MedGen C4225268, MONDO:0014706, OMIM 616603.
Autosomal dominant spastic paraplegia type 9. Identifiers: MedGen C1832669, MONDO:0015091.
de Barsy syndrome. Also called: Cutis laxa-corneal clouding-oligophrenia syndrome. Identifiers: Orphanet 2962, MedGen C0268354, MONDO:0017569.

Allele frequency attached by ClinVar (database versions not stated): gnomAD exomes below 0.00001; TOPMed below 0.00001; ExAC 0.00001.
gnomAD v4.1: 3 of 1,613,920 alleles (0.00019%); highest among the groups gnomAD compares: Non-Finnish European, 0.00025%; no homozygotes.

Submissions (2):

Labcorp Genetics (formerly Invitae), Labcorp
Classification: Uncertain significance for Autosomal dominant spastic paraplegia type 9; de Barsy syndrome; Cutis laxa, autosomal dominant 3. Last evaluated: 2022-05-25. Review status: criteria provided, single submitter. Criteria: Invitae Variant Classification Sherloc (09022015). Collection method: clinical testing. Allele origin: germline.
Comment: This sequence change replaces arginine, which is basic and polar, with histidine, which is basic and polar, at codon 732 of the ALDH18A1 protein (p.Arg732His). This variant is present in population databases (rs774916138, gnomAD 0.0009%). This variant has not been reported in the literature in individuals affected with ALDH18A1-related conditions. ClinVar contains an entry for this variant (Variation ID: 382497). Algorithms developed to predict the effect of missense changes on protein structure and function (SIFT, PolyPhen-2, Align-GVGD) all suggest that this variant is likely to be disruptive. In summary, the available evidence is currently insufficient to determine the role of this variant in disease. Therefore, it has been classified as a Variant of Uncertain Significance.

GeneDx
Classification: Uncertain significance. Last evaluated: 2022-05-05. Review status: criteria provided, single submitter. Criteria: GeneDx Variant Classification Process June 2021. Collection method: clinical testing. Allele origin: germline. Affected: yes.
Comment: Not observed at significant frequency in large population cohorts (gnomAD); In silico analysis supports that this missense variant has a deleterious effect on protein structure/function; Has not been previously published as pathogenic or benign to our knowledge